The following is an entry in ClinVar:

ClinVar aggregate classification (germline): Conflicting classifications of pathogenicity. Review status: criteria provided, conflicting classifications (1 of 4 stars). 6 submissions from 6 submitters: Uncertain significance (1); Benign (1); Likely benign (4). Last evaluated 2026-02-01.

Conditions:
Atypical hemolytic-uremic syndrome. Identifiers: Orphanet 2134, MedGen C2931788, MONDO:0016244.
Atypical hemolytic-uremic syndrome with MCP/CD46 anomaly. Also called: HEMOLYTIC UREMIC SYNDROME, ATYPICAL, SUSCEPTIBILITY TO, 2; AHUS, SUSCEPTIBILITY TO, 2. Identifiers: Orphanet 2134, MedGen C2752040, MONDO:0013040, OMIM 612922.

Allele frequency attached by ClinVar (database versions not stated): gnomAD exomes 0.00053 and 0.00091; 1000 Genomes Project 0.00100; ExAC 0.00100; 1000 Genomes Project 30x 0.00109; gnomAD 0.00164 and 0.00175; TOPMed 0.00204; ESP Exome Variant Server 0.00208.
gnomAD v4.1: 1,072 of 1,612,388 alleles (0.066%); highest among the groups gnomAD compares: Middle Eastern, 2%; 2 homozygotes.

Submissions (6):

CeGaT Center for Human Genetics Tuebingen
Classification: Likely benign. Last evaluated: 2026-02-01. Review status: criteria provided, single submitter. Criteria: CeGaT Center For Human Genetics Tuebingen Variant Classification Criteria Version 2. Collection method: clinical testing. Allele origin: germline. Affected: yes. Observed: 2 variant alleles.
Comment: CD46: BP4, BP7

Labcorp Genetics (formerly Invitae), Labcorp
Classification: Benign. Last evaluated: 2026-01-27. Review status: criteria provided, single submitter. Criteria: Invitae Variant Classification Sherloc (09022015). Collection method: clinical testing. Allele origin: germline.

Mayo Clinic Laboratories, Mayo Clinic
Classification: Likely benign. Last evaluated: 2025-09-04. Review status: criteria provided, single submitter. Criteria: ACMG Guidelines, 2015. Collection method: clinical testing. Allele origin: germline. Observed: 9 variant alleles.
Comment: BP4, BP7

Blueprint Genetics
Classification: Likely benign. Last evaluated: 2024-11-25. Review status: criteria provided, single submitter. Criteria: ACMG Guidelines, 2015. Collection method: clinical testing. Allele origin: germline.

Genome Diagnostics Laboratory, The Hospital for Sick Children
Classification: Likely benign for Atypical hemolytic-uremic syndrome. Last evaluated: 2021-11-03. Review status: criteria provided, single submitter. Criteria: ACMG Guidelines, 2015. Collection method: clinical testing. Allele origin: germline.

Illumina Laboratory Services, Illumina
Classification: Uncertain significance for Atypical hemolytic-uremic syndrome with MCP/CD46 anomaly. Last evaluated: 2018-01-13. Review status: criteria provided, single submitter. Criteria: ICSL Variant Classification Criteria 13 December 2019. Collection method: clinical testing. Allele origin: germline.

NM_172351.3(CD46):c.285T>C (p.Tyr95=)

Gene: CD46 (CD46 molecule; plus strand). Cytogenetic location: 1q32.2.
Variant type: single nucleotide variant.
Coding change: c.285T>C on transcript NM_172351.3 (MANE Select); coding-DNA position 285, T replaced by C.
Protein change: p.Tyr95=; no amino-acid change (tyrosine 95 retained).
Molecular consequence: synonymous variant.
Genome position (GRCh38, 1-based): chr1:207,757,201, T>C. VCF-style: chr1-207757201-T-C. GRCh37 (hg19) VCF-style: chr1-207930546-T-C.
Other names: p.Tyr95=; c.285T>C, p.Tyr95= (NM_002389.4, NM_153826.4, NM_172350.3 and 8 more transcripts).
Identifiers: ClinVar variation 875710 (VCV000875710.30), dbSNP rs112089594, ClinGen allele CA1371567.